The following is an entry in ClinVar:

NM_001384140.1(PCDH15):c.3502-2A>G

Gene: PCDH15 (protocadherin related 15; minus strand). Cytogenetic location: 10q21.1.
Variant type: single nucleotide variant.
Coding change: c.3502-2A>G on transcript NM_001384140.1 (MANE Select); the canonical splice acceptor site of the intron before coding-DNA position 3502, A replaced by G.
Molecular consequence: splice acceptor variant.
Genome position (GRCh38, 1-based): chr10:53,866,859, T>C on the plus strand (A>G on the coding strand, the complement: PCDH15 is on the minus strand). VCF-style: chr10-53866859-T-C. GRCh37 (hg19) VCF-style: chr10-55626619-T-C.
Other names: c.3502-2A>G (NM_001354420.2, NM_001354429.2, NM_001142772.2 and 4 more transcripts); c.3517-2A>G (NM_001142771.2, NM_001142763.2); c.3523-2A>G (NM_001354411.2); c.3538-2A>G (NM_001142769.3); c.3436-2A>G (NM_001354404.2, NM_001142773.2, NM_001142768.2); c.3391-2A>G (NM_001142767.2); c.3289-2A>G (NM_001142765.2).
Identifiers: ClinVar variation 555686 (VCV000555686.5), dbSNP rs1554836566, ClinGen allele CA376518227.

ClinVar aggregate classification (germline): Likely pathogenic. Review status: criteria provided, single submitter (1 of 4 stars). 2 submissions from 2 submitters: Likely pathogenic (1). 1 of the submissions does not count toward it. Last evaluated 2023-03-04.

Conditions:
Usher syndrome type 1F (USH1F). Also called: USHER SYNDROME, TYPE IF. Identifiers: Orphanet 231169, Orphanet 886, MedGen C1865885, MONDO:0011186, OMIM 602083.

Submissions (2):

Labcorp Genetics (formerly Invitae), Labcorp
Classification: Likely pathogenic. Last evaluated: 2023-03-04. Review status: criteria provided, single submitter. Criteria: Invitae Variant Classification Sherloc (09022015). Collection method: clinical testing. Allele origin: germline.
Comment: Algorithms developed to predict the effect of sequence changes on RNA splicing suggest that this variant may disrupt the consensus splice site. This sequence change affects an acceptor splice site in intron 26 of the PCDH15 gene. It is expected to disrupt RNA splicing. Variants that disrupt the donor or acceptor splice site typically lead to a loss of protein function (PMID: 16199547), and loss-of-function variants in PCDH15 are known to be pathogenic (PMID: 11398101, 11487575, 14570705). This variant is not present in population databases (gnomAD no frequency). This variant has not been reported in the literature in individuals affected with PCDH15-related conditions. ClinVar contains an entry for this variant (Variation ID: 555686). In summary, the currently available evidence indicates that the variant is pathogenic, but additional data are needed to prove that conclusively. Therefore, this variant has been classified as Likely Pathogenic.

Counsyl
Classification: Likely pathogenic for Usher syndrome type 1F. Last evaluated: 2017-12-27. Review status: no assertion criteria provided. Collection method: clinical testing. Allele origin: unknown. Not counted in ClinVar's aggregate classification.

Literature cited by the submitters: PubMed 16199547 (cited by Labcorp Genetics (formerly Invitae), Labcorp); PubMed 11398101 (cited by Labcorp Genetics (formerly Invitae), Labcorp); PubMed 11487575 (cited by Labcorp Genetics (formerly Invitae), Labcorp); PubMed 14570705 (cited by Labcorp Genetics (formerly Invitae), Labcorp).